The following is an entry in ClinVar:

NM_001042492.3(NF1):c.6704+2del

Gene: NF1 (neurofibromin 1; plus strand). Cytogenetic location: 17q11.2.
Variant type: Deletion.
Coding change: c.6704+2del on transcript NM_001042492.3 (MANE Select); the canonical splice donor site of the intron after coding-DNA position 6704, one base deleted (T; older notation c.6704+2delT).
Molecular consequence: splice donor variant.
Genome position (GRCh38, 1-based): chr17:31,337,882, T deleted. VCF-style (leftmost placement, unchanged base first): chr17-31337881-GT-G. GRCh37 (hg19) VCF-style: chr17-29664899-GT-G.
Other names: c.6641+2del (NM_000267.4); c.6641+2delT (NM_000267.3).
Identifiers: ClinVar variation 523350 (VCV000523350.7), dbSNP rs1555534929, ClinGen allele CA658761093.

ClinVar aggregate classification (germline): Pathogenic. Review status: criteria provided, multiple submitters, no conflicts (2 of 4 stars). 5 submissions from 5 submitters: Pathogenic (5). Last evaluated 2025-07-24.

Conditions:
Cafe au lait spots, multiple. Also called: Neurofibromatosis type 6. Identifiers: Orphanet 2678, MedGen C1861975, MONDO:0007245, OMIM 114030, HP:0007565. Disease mechanism: loss of function.
Inguinal freckling. Identifiers: MedGen C1834297, HP:0030052.
Axillary freckling. Identifiers: MedGen C1860335, HP:0000997.
Neurofibroma. Identifiers: Orphanet 252183, MedGen C0027830, MeSH D009455, MONDO:0016755, HP:0001067.
Neurofibromatosis, type 1 (NF1). Also called: NEUROFIBROMATOSIS, TYPE I, SOMATIC; Neurofibromatosis, type I; Peripheral type neurofibromatosis; VON RECKLINGHAUSEN DISEASE. Identifiers: Orphanet 636, MedGen C0027831, MONDO:0018975, OMIM 162200. Disease mechanism: loss of function.
Cardiovascular phenotype. Identifiers: MedGen CN230736.
Hereditary cancer-predisposing syndrome. Also called: Tumor predisposition; Hereditary neoplastic syndrome; Hereditary Cancer Syndrome; Neoplastic Syndromes, Hereditary. Identifiers: Orphanet 140162, MedGen C0027672, MeSH D009386, MONDO:0015356.

Submissions (5):

Ambry Genetics
Classification: Pathogenic for Cardiovascular phenotype; Hereditary cancer-predisposing syndrome. Last evaluated: 2025-07-24. Review status: criteria provided, single submitter. Criteria: Ambry Variant Classification Scheme 2023. Collection method: clinical testing. Allele origin: germline.
Comment: The c.6641+2delT intronic variant, located in intron 43 of the NF1 gene, results from a deletion of one nucleotide within intron 43 of the NF1 gene. This alteration was identified in 1 individual(s) from a cohort of 521 German and Turkish patients with a clinical diagnosis of neurofibromatosis type I (Fahsold R et al. Am J Hum Genet, 2000 Mar;66:790-818). Other variant(s) impacting the same donor site (c.6641+1G>T, c.6641+1G>C) have been identified in individual(s) with features consistent with neurofibromatosis type 1 (Park VM et al. J. Med. Genet. 1998 Oct;35(10):813-20; Nemethova M et al. Ann. Hum. Genet. 2013 Sep;77(5):364-79; Giugliano T et al. Genes (Basel), 2019 Jul;10; Ambry internal data). This variant is considered to be rare based on population cohorts in the Genome Aggregation Database (gnomAD). This nucleotide position is highly conserved in available vertebrate species. In silico splice site analysis predicts that this alteration will weaken the native splice donor site. Alterations that disrupt the canonical splice site are expected to cause aberrant splicing, resulting in an abnormal protein or a transcript that is subject to nonsense-mediated mRNA decay. As such, this alteration is classified as a disease-causing mutation.

Department of Clinical Genetics, Copenhagen University Hospital, Rigshospitalet
Classification: Pathogenic for Neurofibromatosis, type 1. Last evaluated: 2025-03-24. Review status: criteria provided, single submitter. Criteria: ACMG Guidelines, 2015. Collection method: clinical testing. Allele origin: germline.
Comment: The following ACMG criteria has been used: PVS1, PM1_st, PM2_su

Labcorp Genetics (formerly Invitae), Labcorp
Classification: Pathogenic for Neurofibromatosis, type 1. Last evaluated: 2025-01-05. Review status: criteria provided, single submitter. Criteria: Invitae Variant Classification Sherloc (09022015). Collection method: clinical testing. Allele origin: germline.
Comment: This sequence change affects a splice site in intron 43 of the NF1 gene. It is expected to disrupt RNA splicing. Variants that disrupt the donor or acceptor splice site typically lead to a loss of protein function (PMID: 16199547), and loss-of-function variants in NF1 are known to be pathogenic (PMID: 10712197, 23913538). This variant is not present in population databases (gnomAD no frequency). Disruption of this splice site has been observed in individual(s) with neurofibromatosis, type 1 (PMID: 10712197). ClinVar contains an entry for this variant (Variation ID: 523350). Algorithms developed to predict the effect of sequence changes on RNA splicing suggest that this variant may disrupt the consensus splice site. For these reasons, this variant has been classified as Pathogenic.

3billion
Classification: Pathogenic for Neurofibromatosis, type 1. Last evaluated: 2024-10-08. Review status: criteria provided, single submitter. Criteria: ACMG Guidelines, 2015. Collection method: clinical testing. Allele origin: germline. Affected: yes.
Comment: The variant is not observed in the gnomAD v4.1.0 dataset. Predicted Consequence/Location: Canonical splice site: predicted to alter splicing and result in a loss or disruption of normal protein function. Multiple pathogenic loss-of-function variants are reported downstream of the variant. In silico tools predict the variant to alter splicing and produce an abnormal transcript [SpliceAI: 1.00 (spliceogenicity >=0.2, non-spliceogenicity <0.1)]. The variant has been reported to be associated with NF1-related disorder (ClinVar ID: VCV000523350 /PMID: 10712197). Therefore, this variant is classified as Pathogenic according to the recommendation of ACMG/AMP guideline.

Centre for Mendelian Genomics, University Medical Centre Ljubljana
Classification: Pathogenic for Axillary freckling; Inguinal freckling; Cafe au lait spots, multiple; Neurofibroma. Last evaluated: 2017-01-01. Review status: criteria provided, single submitter. Criteria: ACMG Guidelines, 2015. Collection method: clinical testing. Allele origin: unknown. Affected: yes.

Literature cited by the submitters: PubMed 10712197 (cited by 3 submitters); PubMed 16199547 (cited by Labcorp Genetics (formerly Invitae), Labcorp); PubMed 23913538 (cited by Labcorp Genetics (formerly Invitae), Labcorp).